The following is an entry in ClinVar:

NM_000052.7(ATP7A):c.1717A>T (p.Met573Leu)

Gene: ATP7A (ATPase copper transporting alpha; plus strand). Cytogenetic location: Xq21.1.
Variant type: single nucleotide variant.
Coding change: c.1717A>T on transcript NM_000052.7 (MANE Select); coding-DNA position 1717, A replaced by T.
Protein change: p.Met573Leu; replaces methionine 573 with leucine.
Molecular consequence: missense variant.
Genome position (GRCh38, 1-based): chrX:78,009,111, A>T. VCF-style: chrX-78009111-A-T. GRCh37 (hg19) VCF-style: chrX-77264608-A-T.
Other names: c.1717A>T, p.Met573Leu (NM_001282224.2); short protein forms M573L.
Identifiers: ClinVar variation 2941755 (VCV002941755.3), dbSNP rs2522340980, ClinGen allele CA413596777.

ClinVar aggregate classification (germline): Uncertain significance (1 of 4 stars; one submission).

Conditions:
Menkes kinky-hair syndrome (MNK). Also called: Copper transport disease; Menkes Disease; Classic Menkes Disease. Identifiers: Orphanet 565, MedGen C0022716, MONDO:0010651, OMIM 309400.
Cutis laxa, X-linked (OHS). Also called: EDS IX; Occipital horn syndrome. Identifiers: Orphanet 198, MedGen C0268353, MONDO:0010572, OMIM 304150.
X-linked distal spinal muscular atrophy type 3. Also called: ATP7A-Related Distal Motor Neuropathy; SPINAL MUSCULAR ATROPHY, DISTAL, X-LINKED RECESSIVE; NEURONOPATHY, DISTAL HEREDITARY MOTOR, X-LINKED; NEUROPATHY, DISTAL HEREDITARY MOTOR, X-LINKED. Identifiers: Orphanet 139557, MedGen C1845359, MONDO:0010338, OMIM 300489.

Submission:

Labcorp Genetics (formerly Invitae), Labcorp
Classification: Uncertain significance for X-linked distal spinal muscular atrophy type 3; Cutis laxa, X-linked; Menkes kinky-hair syndrome. Last evaluated: 2022-11-23. Review status: criteria provided, single submitter. Criteria: Invitae Variant Classification Sherloc (09022015). Collection method: clinical testing. Allele origin: germline.
Comment: In summary, the available evidence is currently insufficient to determine the role of this variant in disease. Therefore, it has been classified as a Variant of Uncertain Significance. Advanced modeling of protein sequence and biophysical properties (such as structural, functional, and spatial information, amino acid conservation, physicochemical variation, residue mobility, and thermodynamic stability) performed at Invitae indicates that this missense variant is not expected to disrupt ATP7A protein function. This variant has not been reported in the literature in individuals affected with ATP7A-related conditions. This variant is not present in population databases (gnomAD no frequency). This sequence change replaces methionine, which is neutral and non-polar, with leucine, which is neutral and non-polar, at codon 573 of the ATP7A protein (p.Met573Leu).